The following is an entry in ClinVar:

ClinVar aggregate classification (germline): Uncertain significance (1 of 4 stars; one submission).

Submission:

GeneDx
Classification: Uncertain significance. Last evaluated: 2024-09-24. Review status: criteria provided, single submitter. Criteria: GeneDx Variant Classification Process June 2021. Collection method: clinical testing. Allele origin: germline. Affected: yes.
Comment: Not observed at significant frequency in large population cohorts (gnomAD); In silico analysis indicates that this missense variant does not alter protein structure/function; Has not been previously published as pathogenic or benign to our knowledge

NM_001136157.2(OTUD5):c.1279G>A (p.Ala427Thr)

Gene: OTUD5 (OTU deubiquitinase 5; minus strand). Cytogenetic location: Xp11.23.
Variant type: single nucleotide variant.
Coding change: c.1279G>A on transcript NM_001136157.2 (MANE Select); coding-DNA position 1279, G replaced by A.
Protein change: p.Ala427Thr; replaces alanine 427 with threonine.
Molecular consequence: missense variant.
Genome position (GRCh38, 1-based): chrX:48,924,037, C>T on the plus strand (G>A on the coding strand, the complement: OTUD5 is on the minus strand). VCF-style: chrX-48924037-C-T. GRCh37 (hg19) VCF-style: chrX-48781314-C-T.
Other names: c.1279G>A, p.Ala427Thr (NM_001136158.2); c.628G>A, p.Ala210Thr (NM_001136159.2); c.1294G>A, p.Ala432Thr (NM_017602.4); short protein forms A210T, A427T, A432T.
Identifiers: ClinVar variation 3774017 (VCV003774017.1).